The following is an entry in ClinVar:

NM_000268.4(NF2):c.1060G>C (p.Asp354His)

Gene: NF2 (NF2, moesin-ezrin-radixin like (MERLIN) tumor suppressor; plus strand). Cytogenetic location: 22q12.2.
Variant type: single nucleotide variant.
Coding change: c.1060G>C on transcript NM_000268.4 (MANE Select); coding-DNA position 1060, G replaced by C.
Protein change: p.Asp354His; replaces aspartic acid 354 with histidine.
Molecular consequence: missense variant. On other transcripts: non-coding transcript variant (1), intron variant (1).
Genome position (GRCh38, 1-based): chr22:29,671,886, G>C. VCF-style: chr22-29671886-G-C. GRCh37 (hg19) VCF-style: chr22-30067875-G-C.
Other names: c.1060G>C, p.Asp354His (NM_016418.5, NM_181825.3, NM_181832.3); c.934G>C, p.Asp312His (NM_181828.3); c.937G>C, p.Asp313His (NM_181829.3); c.811G>C, p.Asp271His (NM_181830.3, NM_181831.3); c.448-22866G>C (NM_181833.3); short protein forms D312H, D354H, D313H, D271H.
Identifiers: ClinVar variation 1513728 (VCV001513728.8), dbSNP rs1435353346, ClinGen allele CA411146947.
Genomic context (GRCh38, chr22:29,671,886, plus strand): 5'-ATGGAGCGGCAGCGCCTCGCTCGAGAGAAGCAGATGAGGGAGGAGGCTGAACGCACGAGG[G>C]ATGAGTTGGAGAGGAGGCTGCTGCAGATGAAAGAAGAAGCAACAATGGCCAACGAAGCAC-3'
Protein context (NP_000259.1, residues 344-364): QMREEAERTR[Asp354His]ELERRLLQMK

ClinVar aggregate classification (germline): Uncertain significance (1 of 4 stars; one submission).

Conditions:
Neurofibromatosis, type 2 (SWNV). Also called: SCHWANNOMATOSIS, VESTIBULAR; BILATERAL ACOUSTIC NEUROFIBROMATOSIS; NF2-Related Schwannomatosis. Identifiers: Orphanet 637, MedGen C0027832, MONDO:0007039, OMIM 101000. Disease mechanism: loss of function.

Submission:

Labcorp Genetics (formerly Invitae), Labcorp
Classification: Uncertain significance for Neurofibromatosis, type 2. Last evaluated: 2021-02-27. Review status: criteria provided, single submitter. Criteria: Invitae Variant Classification Sherloc (09022015). Collection method: clinical testing. Allele origin: germline.
Comment: This sequence change replaces aspartic acid with histidine at codon 354 of the NF2 protein (p.Asp354His). The aspartic acid residue is moderately conserved and there is a moderate physicochemical difference between aspartic acid and histidine. This variant is not present in population databases (ExAC no frequency). This variant has not been reported in the literature in individuals with NF2-related conditions. Algorithms developed to predict the effect of missense changes on protein structure and function are either unavailable or do not agree on the potential impact of this missense change (SIFT: "Tolerated"; PolyPhen-2: "Probably Damaging"; Align-GVGD: "Class C0"). In summary, the available evidence is currently insufficient to determine the role of this variant in disease. Therefore, it has been classified as a Variant of Uncertain Significance.